The following is an entry in ClinVar:

ClinVar aggregate classification (germline): Uncertain significance. Review status: criteria provided, multiple submitters, no conflicts (2 of 4 stars). 2 submissions from 2 submitters: Uncertain significance (2). Last evaluated 2026-01-14.

Conditions:
Microcephalic osteodysplastic primordial dwarfism type II (MOPD2). Also called: Microcephalic osteodysplastic primordial dwarfism with tooth abnormalities; MOPD II; OSTEODYSPLASTIC PRIMORDIAL DWARFISM, TYPE II. Identifiers: Orphanet 2637, MedGen C0432246, MONDO:0008872, OMIM 210720.

Allele frequency attached by ClinVar (database versions not stated): TOPMed 0.00001; gnomAD exomes 0.00002 and 0.00003; ExAC 0.00003; gnomAD 0.00009; ESP Exome Variant Server 0.00015.
gnomAD v4.1: 51 of 1,594,676 alleles (0.0032%); highest among the groups gnomAD compares: Non-Finnish European, 0.0042%; no homozygotes.

Submissions (2):

Labcorp Genetics (formerly Invitae), Labcorp
Classification: Uncertain significance. Last evaluated: 2026-01-14. Review status: criteria provided, single submitter. Criteria: Invitae Variant Classification Sherloc (09022015). Collection method: clinical testing. Allele origin: germline.
Comment: This sequence change replaces glutamine, which is neutral and polar, with histidine, which is basic and polar, at codon 2563 of the PCNT protein (p.Gln2563His). The frequency data for this variant in the population databases is considered unreliable, as metrics indicate poor data quality at this position in the gnomAD database. This variant has not been reported in the literature in individuals affected with PCNT-related conditions. ClinVar contains an entry for this variant (Variation ID: 1402044). An algorithm developed to predict the effect of missense changes on protein structure and function (PolyPhen-2) suggests that this variant is likely to be disruptive. In summary, the available evidence is currently insufficient to determine the role of this variant in disease. Therefore, it has been classified as a Variant of Uncertain Significance.

Fulgent Genetics
Classification: Uncertain significance for Microcephalic osteodysplastic primordial dwarfism type II. Last evaluated: 2022-04-07. Review status: criteria provided, single submitter. Criteria: ACMG Guidelines, 2015. Collection method: clinical testing. Allele origin: unknown.

NM_006031.6(PCNT):c.7689G>T (p.Gln2563His)

Gene: PCNT (pericentrin; plus strand). Cytogenetic location: 21q22.3.
Variant type: single nucleotide variant.
Coding change: c.7689G>T on transcript NM_006031.6 (MANE Select); coding-DNA position 7689, G replaced by T.
Protein change: p.Gln2563His; replaces glutamine 2563 with histidine.
Molecular consequence: missense variant.
Genome position (GRCh38, 1-based): chr21:46,428,589, G>T. VCF-style: chr21-46428589-G-T. GRCh37 (hg19) VCF-style: chr21-47848503-G-T.
Other names: c.7335G>T, p.Gln2445His (NM_001315529.2); short protein forms Q2445H, Q2563H.
Identifiers: ClinVar variation 1402044 (VCV001402044.7), dbSNP rs199936673, ClinGen allele CA10080749.